The following is an entry in ClinVar:

ClinVar aggregate classification (germline): Likely pathogenic (1 of 4 stars; one submission).

Allele frequency attached by ClinVar (database versions not stated): gnomAD exomes below 0.00001; TOPMed below 0.00001; gnomAD 0.00001.
gnomAD v4.1: 7 of 1,599,334 alleles (0.00044%); highest among the groups gnomAD compares: Non-Finnish European, 0.0006%; no homozygotes.

Submission:

Labcorp Genetics (formerly Invitae), Labcorp
Classification: Likely pathogenic. Last evaluated: 2023-09-26. Review status: criteria provided, single submitter. Criteria: Invitae Variant Classification Sherloc (09022015). Collection method: clinical testing. Allele origin: germline.
Comment: In summary, the currently available evidence indicates that the variant is pathogenic, but additional data are needed to prove that conclusively. Therefore, this variant has been classified as Likely Pathogenic. Algorithms developed to predict the effect of sequence changes on RNA splicing suggest that this variant may disrupt the consensus splice site. This sequence change affects a donor splice site in intron 5 of the DFNB59 gene. It is expected to disrupt RNA splicing. Variants that disrupt the donor or acceptor splice site typically lead to a loss of protein function (PMID: 16199547), and loss-of-function variants in DFNB59 are known to be pathogenic (PMID: 17301963, 17718875). This variant is present in population databases (no rsID available, gnomAD 0.0009%). This variant has not been reported in the literature in individuals affected with DFNB59-related conditions.

Literature cited by the submitters: PubMed 16199547; PubMed 17301963; PubMed 17718875.

NM_001042702.5(PJVK):c.667+1G>A

Gene: PJVK (pejvakin; plus strand). Cytogenetic location: 2q31.2.
Variant type: single nucleotide variant.
Coding change: c.667+1G>A on transcript NM_001042702.5 (MANE Select); the canonical splice donor site of the intron after coding-DNA position 667, G replaced by A.
Molecular consequence: splice donor variant.
Genome position (GRCh38, 1-based): chr2:178,458,628, G>A. VCF-style: chr2-178458628-G-A. GRCh37 (hg19) VCF-style: chr2-179323355-G-A.
Other names: c.190+1G>A (NM_001353777.1, NM_001353778.2); c.676+1G>A (NM_001353775.2); c.772+1G>A (NM_001353776.2); c.667+1G>A (NM_001369912.1).
Identifiers: ClinVar variation 2887869 (VCV002887869.3), dbSNP rs1337918797, ClinGen allele CA349400653.